The following is an entry in ClinVar:

NM_004787.4(SLIT2):c.2456G>A (p.Arg819His)

Gene: SLIT2 (slit guidance ligand 2; plus strand). Cytogenetic location: 4p15.31.
Variant type: single nucleotide variant.
Coding change: c.2456G>A on transcript NM_004787.4 (MANE Select); coding-DNA position 2456, G replaced by A.
Protein change: p.Arg819His; replaces arginine 819 with histidine.
Molecular consequence: missense variant.
Genome position (GRCh38, 1-based): chr4:20,549,095, G>A. VCF-style: chr4-20549095-G-A. GRCh37 (hg19) VCF-style: chr4-20550718-G-A.
Other names: c.2456G>A (NM_004787.1); c.2444G>A, p.Arg815His (NM_001289135.3); c.2432G>A, p.Arg811His (NM_001289136.3); short protein forms R811H, R815H, R819H.
Identifiers: ClinVar variation 3636714 (VCV003636714.3).

ClinVar aggregate classification (germline): Uncertain significance. Review status: criteria provided, multiple submitters, no conflicts (2 of 4 stars). 2 submissions from 2 submitters: Uncertain significance (2). Last evaluated 2025-06-10.

gnomAD v4.1: 38 of 1,598,750 alleles (0.0024%); highest among the groups gnomAD compares: Admixed American, 0.02%; no homozygotes.

Submissions (2):

Ambry Genetics
Classification: Uncertain significance. Last evaluated: 2025-06-10. Review status: criteria provided, single submitter. Criteria: Ambry Variant Classification Scheme 2023. Collection method: clinical testing. Allele origin: germline.

Labcorp Genetics (formerly Invitae), Labcorp
Classification: Uncertain significance. Last evaluated: 2024-01-31. Review status: criteria provided, single submitter. Criteria: Invitae Variant Classification Sherloc (09022015). Collection method: clinical testing. Allele origin: germline.
Comment: This sequence change replaces arginine, which is basic and polar, with histidine, which is basic and polar, at codon 819 of the SLIT2 protein (p.Arg819His). This variant is present in population databases (rs139280468, gnomAD 0.02%). This variant has not been reported in the literature in individuals affected with SLIT2-related conditions. An algorithm developed to predict the effect of missense changes on protein structure and function (PolyPhen-2) suggests that this variant is likely to be disruptive. Algorithms developed to predict the effect of sequence changes on RNA splicing suggest that this variant may disrupt the consensus splice site. In summary, the available evidence is currently insufficient to determine the role of this variant in disease. Therefore, it has been classified as a Variant of Uncertain Significance.